The following is an entry in ClinVar:

NM_020928.2(ZSWIM6):c.3442G>A (p.Ala1148Thr)

Gene: ZSWIM6 (zinc finger SWIM-type containing 6; plus strand). Cytogenetic location: 5q12.1.
Variant type: single nucleotide variant.
Coding change: c.3442G>A on transcript NM_020928.2 (MANE Select); coding-DNA position 3442, G replaced by A.
Protein change: p.Ala1148Thr; replaces alanine 1148 with threonine.
Molecular consequence: missense variant.
Genome position (GRCh38, 1-based): chr5:61,544,111, G>A. VCF-style: chr5-61544111-G-A. GRCh37 (hg19) VCF-style: chr5-60839938-G-A.
Other names: short protein forms A1148T.
Identifiers: ClinVar variation 2747318 (VCV002747318.3), dbSNP rs2478409519, ClinGen allele CA359947609.

ClinVar aggregate classification (germline): Uncertain significance (1 of 4 stars; one submission).

Submission:

Labcorp Genetics (formerly Invitae), Labcorp
Classification: Uncertain significance. Last evaluated: 2023-07-19. Review status: criteria provided, single submitter. Criteria: Invitae Variant Classification Sherloc (09022015). Collection method: clinical testing. Allele origin: germline.
Comment: Advanced modeling of protein sequence and biophysical properties (such as structural, functional, and spatial information, amino acid conservation, physicochemical variation, residue mobility, and thermodynamic stability) has been performed at Invitae for this missense variant, however the output from this modeling did not meet the statistical confidence thresholds required to predict the impact of this variant on ZSWIM6 protein function. In summary, the available evidence is currently insufficient to determine the role of this variant in disease. Therefore, it has been classified as a Variant of Uncertain Significance. This variant has not been reported in the literature in individuals affected with ZSWIM6-related conditions. This variant is not present in population databases (gnomAD no frequency). This sequence change replaces alanine, which is neutral and non-polar, with threonine, which is neutral and polar, at codon 1148 of the ZSWIM6 protein (p.Ala1148Thr).